The following is an entry in ClinVar:

ClinVar aggregate classification (germline): Uncertain significance (1 of 4 stars; one submission).

Conditions:
Inborn genetic diseases. Identifiers: MedGen C0950123, MeSH D030342.

gnomAD v4.1: 3 of 1,613,576 alleles (0.00019%); highest among the groups gnomAD compares: African/African-American, 0.004%; no homozygotes.

Submission:

Ambry Genetics
Classification: Uncertain significance for Inborn genetic diseases. Last evaluated: 2026-06-06. Review status: criteria provided, single submitter. Criteria: Ambry Variant Classification Scheme 2023. Collection method: clinical testing. Allele origin: germline.
Comment: The p.P1114L variant (also known as c.3341C>T), located in coding exon 15 of the MECOM gene, results from a C to T substitution at nucleotide position 3341. The proline at codon 1114 is replaced by leucine, an amino acid with similar properties. This amino acid position is conserved. In addition, this alteration is predicted to be tolerated by in silico analysis. Based on the available evidence, the clinical significance of this variant remains unclear.

NM_004991.4(MECOM):c.3341C>T (p.Pro1114Leu)

Gene: MECOM (MDS1 and EVI1 complex locus; minus strand). Cytogenetic location: 3q26.2.
Variant type: single nucleotide variant.
Coding change: c.3341C>T on transcript NM_004991.4 (MANE Select); coding-DNA position 3341, C replaced by T.
Protein change: p.Pro1114Leu; replaces proline 1114 with leucine.
Molecular consequence: missense variant.
Genome position (GRCh38, 1-based): chr3:169,090,060, G>A on the plus strand (C>T on the coding strand, the complement: MECOM is on the minus strand). VCF-style: chr3-169090060-G-A. GRCh37 (hg19) VCF-style: chr3-168807848-G-A.
Other names: c.2777C>T, p.Pro926Leu (NM_005241.4, NM_001205194.2, NM_001366469.2 and 1 more transcripts); c.2753C>T, p.Pro918Leu (NM_001163999.2, NM_001366470.2); c.2750C>T, p.Pro917Leu (NM_001164000.2, NM_001366471.2, NM_001366472.2); c.3314C>T, p.Pro1105Leu (NM_001366466.2); c.2780C>T, p.Pro927Leu (NM_001366467.2, NM_001366468.2); c.2342C>T, p.Pro781Leu (NM_001366473.2); c.1778C>T, p.Pro593Leu (NM_001366474.2); c.2972C>T, p.Pro991Leu (NM_001105077.4); short protein forms P1105L, P1114L, P593L, P781L, P917L, P918L, P926L, P927L.
Identifiers: ClinVar variation 4859810 (VCV004859810.1).